The following is an entry in ClinVar:

ClinVar aggregate classification (germline): Uncertain significance (1 of 4 stars; one submission).

Conditions:
Familial cancer of breast. Also called: Hereditary breast cancer; BREAST CANCER, FAMILIAL; hereditary breast carcinoma. Identifiers: Orphanet 227535, MedGen C0346153, MONDO:0016419, OMIM 114480. Disease mechanism: loss of function.

Submission:

Labcorp Genetics (formerly Invitae), Labcorp
Classification: Uncertain significance for Familial cancer of breast. Last evaluated: 2023-04-23. Review status: criteria provided, single submitter. Criteria: Invitae Variant Classification Sherloc (09022015). Collection method: clinical testing. Allele origin: germline.
Comment: ClinVar contains an entry for this variant (Variation ID: 1714932). This variant has not been reported in the literature in individuals affected with PALB2-related conditions. This variant is not present in population databases (gnomAD no frequency). This sequence change replaces glycine, which is neutral and non-polar, with cysteine, which is neutral and slightly polar, at codon 1028 of the PALB2 protein (p.Gly1028Cys). In summary, the available evidence is currently insufficient to determine the role of this variant in disease. Therefore, it has been classified as a Variant of Uncertain Significance. Advanced modeling of protein sequence and biophysical properties (such as structural, functional, and spatial information, amino acid conservation, physicochemical variation, residue mobility, and thermodynamic stability) performed at Invitae indicates that this missense variant is expected to disrupt PALB2 protein function.

NM_024675.4(PALB2):c.3082G>T (p.Gly1028Cys)

Gene: PALB2 (partner and localizer of BRCA2; minus strand). Cytogenetic location: 16p12.2.
Variant type: single nucleotide variant.
Coding change: c.3082G>T on transcript NM_024675.4 (MANE Select); coding-DNA position 3082, G replaced by T.
Protein change: p.Gly1028Cys; replaces glycine 1028 with cysteine.
Molecular consequence: missense variant.
Genome position (GRCh38, 1-based): chr16:23,621,393, C>A on the plus strand (G>T on the coding strand, the complement: PALB2 is on the minus strand). VCF-style: chr16-23621393-C-A. GRCh37 (hg19) VCF-style: chr16-23632714-C-A.
Other names: c.3022G>T, p.Gly1008Cys (NM_001407296.1); c.3010G>T, p.Gly1004Cys (NM_001407297.1); c.2920G>T, p.Gly974Cys (NM_001407298.1, NM_001407302.1); c.3082G>T, p.Gly1028Cys (NM_001407299.1, NM_001407301.1); c.2197G>T, p.Gly733Cys (NM_001407304.1, NM_001407305.1, NM_001407306.1 and 4 more transcripts); c.2035G>T, p.Gly679Cys (NM_001407307.1); c.1294G>T, p.Gly432Cys (NM_001407312.1, NM_001407313.1); c.616G>T, p.Gly206Cys (NM_001407314.1); short protein forms G1004C, G1008C, G1028C, G206C, G432C, G679C, G733C, G974C.
Identifiers: ClinVar variation 1714932 (VCV001714932.5), dbSNP rs2142326566, ClinGen allele CA395142901.